The following is an entry in ClinVar:

ClinVar aggregate classification (germline): Uncertain significance. Review status: criteria provided, multiple submitters, no conflicts (2 of 4 stars). 2 submissions from 2 submitters: Uncertain significance (2). Last evaluated 2026-03-03.

Conditions:
TTN-related disorder. Also called: TTN-related condition; TTN-related disease; TTN-related disorders.

gnomAD v4.1: 18 of 1,613,766 alleles (0.0011%); highest among the groups gnomAD compares: East Asian, 0.0045%; no homozygotes.

Submissions (2):

GeneDx
Classification: Uncertain significance. Last evaluated: 2026-03-03. Review status: criteria provided, single submitter. Criteria: GeneDx Variant Classification Process June 2021. Collection method: clinical testing. Allele origin: germline.
Comment: Not observed at significant frequency in large population cohorts (gnomAD); Missense variant in a gene in which most reported pathogenic variants are truncating/loss of function; Observed in a cohort of patients with DCM in the published literature (PMID: 31983221); This variant is associated with the following publications: (PMID: 31983221)

PreventionGenetics, part of Exact Sciences
Classification: Uncertain significance for TTN-related condition. Last evaluated: 2025-10-02. Review status: criteria provided, single submitter. Criteria: ACMG Guidelines, 2015. Collection method: clinical testing. Allele origin: germline.
Comment: The TTN c.101228G>A variant is predicted to result in the amino acid substitution p.Arg33743Gln. This variant has been reported in an individual with dilated cardiomyopathy (Table S3, Mazzarotto et al. 2020. PubMed ID: 31983221). This variant is reported in 0.0083% of alleles in individuals of African descent in gnomAD. At this time, the clinical significance of this variant is uncertain due to the absence of conclusive functional and genetic evidence.

NM_001267550.2(TTN):c.101228G>A (p.Arg33743Gln)

Genes: TTN (titin; minus strand), TTN-AS1 (TTN antisense RNA 1; plus strand). Cytogenetic location: 2q31.2.
Variant type: single nucleotide variant.
Coding change: c.101228G>A on transcript NM_001267550.2 (MANE Select); coding-DNA position 101228, G replaced by A.
Protein change: p.Arg33743Gln; replaces arginine 33743 with glutamine.
Molecular consequence: missense variant.
Genome position (GRCh38, 1-based): chr2:178,535,387, C>T on the plus strand (G>A on the coding strand, the complement: TTN is on the minus strand). VCF-style: chr2-178535387-C-T. GRCh37 (hg19) VCF-style: chr2-179400114-C-T.
Other names: c.96305G>A, p.Arg32102Gln (NM_001256850.1); c.74033G>A, p.Arg24678Gln (NM_003319.4); c.93524G>A, p.Arg31175Gln (NM_133378.4); c.74408G>A, p.Arg24803Gln (NM_133432.3); c.74609G>A, p.Arg24870Gln (NM_133437.4); short protein forms R24678Q, R24803Q, R24870Q, R31175Q, R32102Q, R33743Q.
Identifiers: ClinVar variation 4888052 (VCV004888052.2).
Genomic context (GRCh38, chr2:178,535,387, plus strand): 5'-ATTACCCGGAACTGGTAACTTGTTTTTCCAAATAAGTTGATCACGGTATAACGTGTTTCT[C>T]GGGCCTGTCCTACACGGAGCCATCTTTCTGCAGTAGTTGCACATTTTTCAACAATGTAGT-3'
Protein context (NP_001254479.2, residues 33733-33753): AERWLRVGQA[Arg33743Gln]ETRYTVINLF